The following is an entry in ClinVar:

ClinVar aggregate classification (germline): Uncertain significance (1 of 4 stars; one submission).

Conditions:
Long QT syndrome (LQTS). Identifiers: MedGen C0023976, MeSH D008133, MONDO:0002442. Disease mechanism: loss of function. Inheritance: Various modes of inheritance.

Allele frequency attached by ClinVar (database versions not stated): ExAC 0.00001; gnomAD 0.00001; gnomAD exomes 0.00001.
gnomAD v4.1: 17 of 1,610,620 alleles (0.0011%); highest among the groups gnomAD compares: Middle Eastern, 0.016%; no homozygotes.

Submission:

Labcorp Genetics (formerly Invitae), Labcorp
Classification: Uncertain significance for Long QT syndrome. Last evaluated: 2025-05-05. Review status: criteria provided, single submitter. Criteria: Invitae Variant Classification Sherloc (09022015). Collection method: clinical testing. Allele origin: germline.
Comment: The CACNA1C gene has multiple clinically relevant transcripts. This variant occurs in alternate transcript NM_001129840.1, and corresponds to NM_000719.6:c.1114-334G>A in the primary transcript. This sequence change replaces valine, which is neutral and non-polar, with isoleucine, which is neutral and non-polar, at codon 396 of the CACNA1C protein (p.Val396Ile). This variant is present in population databases (rs762756712, gnomAD 0.002%). This variant has not been reported in the literature in individuals affected with CACNA1C-related conditions. ClinVar contains an entry for this variant (Variation ID: 1563200). Experimental studies and prediction algorithms are not available or were not evaluated, and the functional significance of this variant is currently unknown. Algorithms developed to predict the effect of sequence changes on RNA splicing suggest that this variant is not likely to affect RNA splicing. In summary, the available evidence is currently insufficient to determine the role of this variant in disease. Therefore, it has been classified as a Variant of Uncertain Significance.

NM_001167623.2(CACNA1C):c.1186G>A (p.Val396Ile)

Gene: CACNA1C (calcium voltage-gated channel subunit alpha1 C; plus strand). Cytogenetic location: 12p13.33.
Variant type: single nucleotide variant.
Coding change: c.1186G>A on transcript NM_001167623.2 (MANE Plus Clinical); coding-DNA position 1186, G replaced by A.
Protein change: p.Val396Ile; replaces valine 396 with isoleucine.
Molecular consequence: missense variant. On other transcripts: intron variant (19).
Genome position (GRCh38, 1-based): chr12:2,504,508, G>A. VCF-style: chr12-2504508-G-A. GRCh37 (hg19) VCF-style: chr12-2613674-G-A.
Other names: c.1186G>A, p.Val396Ile (NM_001129840.2, NM_001167624.3, NM_001167625.2); c.1114-334G>A (NM_199460.4, NM_001129827.2, NM_001129832.2 and 15 more transcripts); c.1105-334G>A (NM_001129844.2); short protein forms V396I.
Identifiers: ClinVar variation 1563200 (VCV001563200.6), dbSNP rs762756712, ClinGen allele CA6388633.